The following is an entry in ClinVar:

ClinVar aggregate classification (germline): Uncertain significance (1 of 4 stars; one submission).

Conditions:
Osteogenesis imperfecta type 8 (OI8). Identifiers: MedGen C1970458, MONDO:0012581, OMIM 610915.

Allele frequency attached by ClinVar (database versions not stated): ExAC 0.00001; gnomAD 0.00001; gnomAD exomes 0.00001 and 0.00002; TOPMed 0.00001; ESP Exome Variant Server 0.00008.
gnomAD v4.1: 33 of 1,613,642 alleles (0.002%); highest among the groups gnomAD compares: African/African-American, 0.0027%; 1 homozygote.

Submission:

Labcorp Genetics (formerly Invitae), Labcorp
Classification: Uncertain significance for Osteogenesis imperfecta type 8. Last evaluated: 2021-09-01. Review status: criteria provided, single submitter. Criteria: Invitae Variant Classification Sherloc (09022015). Collection method: clinical testing. Allele origin: germline.
Comment: This sequence change replaces arginine with histidine at codon 554 of the P3H1 protein (p.Arg554His). The arginine residue is moderately conserved and there is a small physicochemical difference between arginine and histidine. This variant is present in population databases (rs376337637, ExAC 0.01%). This variant has not been reported in the literature in individuals affected with P3H1-related conditions. Algorithms developed to predict the effect of missense changes on protein structure and function output the following: SIFT: "Deleterious"; PolyPhen-2: "Benign"; Align-GVGD: "Class C0". The histidine amino acid residue is found in multiple mammalian species, which suggests that this missense change does not adversely affect protein function. In summary, the available evidence is currently insufficient to determine the role of this variant in disease. Therefore, it has been classified as a Variant of Uncertain Significance.

NM_022356.4(P3H1):c.1661G>A (p.Arg554His)

Gene: P3H1 (prolyl 3-hydroxylase 1; minus strand). Cytogenetic location: 1p34.2.
Variant type: single nucleotide variant.
Coding change: c.1661G>A on transcript NM_022356.4 (MANE Select); coding-DNA position 1661, G replaced by A.
Protein change: p.Arg554His; replaces arginine 554 with histidine.
Molecular consequence: missense variant.
Genome position (GRCh38, 1-based): chr1:42,750,245, C>T on the plus strand (G>A on the coding strand, the complement: P3H1 is on the minus strand). VCF-style: chr1-42750245-C-T. GRCh37 (hg19) VCF-style: chr1-43215916-C-T.
Other names: c.1661G>A, p.Arg554His (NM_001146289.2, NM_001243246.2); short protein forms R554H.
Identifiers: ClinVar variation 857659 (VCV000857659.7), dbSNP rs376337637, ClinGen allele CA801746.